The following is an entry in ClinVar:

NM_199420.4(POLQ):c.6485G>A (p.Arg2162Lys)

Gene: POLQ (DNA polymerase theta; minus strand). Cytogenetic location: 3q13.33.
Variant type: single nucleotide variant.
Coding change: c.6485G>A on transcript NM_199420.4 (MANE Select); coding-DNA position 6485, G replaced by A.
Protein change: p.Arg2162Lys; replaces arginine 2162 with lysine.
Molecular consequence: missense variant.
Genome position (GRCh38, 1-based): chr3:121,473,408, C>T on the plus strand (G>A on the coding strand, the complement: POLQ is on the minus strand). VCF-style: chr3-121473408-C-T. GRCh37 (hg19) VCF-style: chr3-121192255-C-T.
Other names: short protein forms R2162K.
Identifiers: ClinVar variation 1753781 (VCV001753781.3), dbSNP rs2546774554, ClinGen allele CA354085954.
Genomic context (GRCh38, chr3:121,473,408, plus strand): 5'-ACCTTACTAGTGCTGAACTGTCTTCCCAGCCTTAGCTTGCGTCCATTGTCAATCCCTCTT[C>T]TGGTAGAACCCAGAGTTTTCTTGCTGCCTTGGTTTTTCATCTCTCTATTTGGGGGCAACT-3'
Protein context (NP_955452.3, residues 2152-2172): QGSKKTLGST[Arg2162Lys]RGIDNGRKLR

ClinVar aggregate classification (germline): Uncertain significance (1 of 4 stars; one submission).

Submission:

Ambry Genetics
Classification: Uncertain significance. Last evaluated: 2024-07-07. Review status: criteria provided, single submitter. Criteria: Ambry Variant Classification Scheme 2023. Collection method: clinical testing. Allele origin: germline.
Comment: The p.R2162K variant (also known as c.6485G>A), located in coding exon 21 of the POLQ gene, results from a G to A substitution at nucleotide position 6485. The arginine at codon 2162 is replaced by lysine, an amino acid with highly similar properties. This amino acid position is conserved. In addition, this alteration is predicted to be tolerated by in silico analysis. Since supporting evidence is limited at this time, the clinical significance of this alteration remains unclear.